The following is an entry in ClinVar:

ClinVar aggregate classification (germline): Uncertain significance (1 of 4 stars; one submission).

Conditions:
POMC-related disorder. Also called: POMC-related condition; POMC-related disorders.

gnomAD v4.1: 9 of 1,613,838 alleles (0.00056%); highest among the groups gnomAD compares: Admixed American, 0.0033%; no homozygotes.

Submission:

PreventionGenetics, part of Exact Sciences
Classification: Uncertain significance for POMC-related condition. Last evaluated: 2025-03-21. Review status: criteria provided, single submitter. Criteria: ACMG Guidelines, 2015. Collection method: clinical testing. Allele origin: germline.
Comment: The POMC c.14G>A variant is predicted to result in the amino acid substitution p.Cys5Tyr. This variant was observed in a cohort of individuals with obesity, and in vitro functional studies showed that this variant did not affect protein function (Supplemental Data Set 3, Shah et al. 2023. PubMed ID: 36864747). This variant was also documented in a separate case-control study focused on examining gastric bypass outcomes in patients with obesity (Campos et al. 2022. PubMed ID: 35654930). This variant is reported in 0.0018% of alleles in individuals of European (Non-Finnish) descent in gnomAD. At this time, the clinical significance of this variant is uncertain due to the absence of conclusive functional and genetic evidence. This variant is reported in 0.0018% of alleles in individuals of European (Non-Finnish) descent in gnomAD. At this time, the clinical significance of this variant is uncertain due to the absence of conclusive functional and genetic evidence.

NM_000939.4(POMC):c.14G>A (p.Cys5Tyr)

Gene: POMC (proopiomelanocortin; minus strand). Cytogenetic location: 2p23.3.
Variant type: single nucleotide variant.
Coding change: c.14G>A on transcript NM_000939.4 (MANE Select); coding-DNA position 14, G replaced by A.
Protein change: p.Cys5Tyr; replaces cysteine 5 with tyrosine.
Molecular consequence: missense variant.
Genome position (GRCh38, 1-based): chr2:25,164,759, C>T on the plus strand (G>A on the coding strand, the complement: POMC is on the minus strand). VCF-style: chr2-25164759-C-T. GRCh37 (hg19) VCF-style: chr2-25387628-C-T.
Other names: c.14G>A, p.Cys5Tyr (NM_001035256.3, NM_001319204.2, NM_001319205.2); short protein forms C5Y.
Identifiers: ClinVar variation 4984751 (VCV004984751.1).
Genomic context (GRCh38, chr2:25,164,759, plus strand): 5'-CGCACTTCCATGGAGGCCTGAAGCAGCAAGGCCAGCAACAGGGCCCCCGAGCGGCTGCAG[C>T]ACGATCTCGGCATCTTCCAGGCAGGCTGAGGCTCTGCAGAAGCAAACAAGATTGGTGGGA-3'
Protein context (NP_000930.1, residues 1-15): MPRS[Cys5Tyr]CSRSGALLLA